The following is an entry in ClinVar:

NM_001999.4(FBN2):c.5552T>C (p.Ile1851Thr)

Gene: FBN2 (fibrillin 2; minus strand). Cytogenetic location: 5q23.3.
Variant type: single nucleotide variant.
Coding change: c.5552T>C on transcript NM_001999.4 (MANE Select); coding-DNA position 5552, T replaced by C.
Protein change: p.Ile1851Thr; replaces isoleucine 1851 with threonine.
Molecular consequence: missense variant.
Genome position (GRCh38, 1-based): chr5:128,305,633, A>G on the plus strand (T>C on the coding strand, the complement: FBN2 is on the minus strand). VCF-style: chr5-128305633-A-G. GRCh37 (hg19) VCF-style: chr5-127641325-A-G.
Other names: short protein forms I1851T.
Identifiers: ClinVar variation 1748245 (VCV001748245.7), dbSNP rs756045785, ClinGen allele CA3394665.

ClinVar aggregate classification (germline): Uncertain significance. Review status: criteria provided, multiple submitters, no conflicts (2 of 4 stars). 2 submissions from 2 submitters: Uncertain significance (2). Last evaluated 2024-05-14.

Conditions:
Congenital contractural arachnodactyly (CCA). Also called: BEALS SYNDROME; Arthrogryposis, distal, type 9; Beals-Hecht syndrome. Identifiers: Orphanet 115, MedGen C0220668, MONDO:0007363, OMIM 121050.
Familial thoracic aortic aneurysm and aortic dissection (TAAD). Also called: Thoracic aortic aneurysms and dissections. Identifiers: Orphanet 91387, MedGen C4707243, MONDO:0019625.

Allele frequency attached by ClinVar (database versions not stated): ExAC 0.00001; gnomAD exomes 0.00001; TOPMed 0.00001.
gnomAD v4.1: 15 of 1,614,028 alleles (0.00093%); highest among the groups gnomAD compares: East Asian, 0.0045%; no homozygotes.

Submissions (2):

Labcorp Genetics (formerly Invitae), Labcorp
Classification: Uncertain significance for Congenital contractural arachnodactyly. Last evaluated: 2024-05-14. Review status: criteria provided, single submitter. Criteria: Invitae Variant Classification Sherloc (09022015). Collection method: clinical testing. Allele origin: germline.
Comment: This sequence change replaces isoleucine, which is neutral and non-polar, with threonine, which is neutral and polar, at codon 1851 of the FBN2 protein (p.Ile1851Thr). This variant is present in population databases (rs756045785, gnomAD 0.003%). This variant has not been reported in the literature in individuals affected with FBN2-related conditions. ClinVar contains an entry for this variant (Variation ID: 1748245). Advanced modeling of protein sequence and biophysical properties (such as structural, functional, and spatial information, amino acid conservation, physicochemical variation, residue mobility, and thermodynamic stability) has been performed at Invitae for this missense variant, however the output from this modeling did not meet the statistical confidence thresholds required to predict the impact of this variant on FBN2 protein function. In summary, the available evidence is currently insufficient to determine the role of this variant in disease. Therefore, it has been classified as a Variant of Uncertain Significance.

Ambry Genetics
Classification: Uncertain significance for Familial thoracic aortic aneurysm and aortic dissection. Last evaluated: 2021-05-28. Review status: criteria provided, single submitter. Criteria: Ambry Variant Classification Scheme 2023. Collection method: clinical testing. Allele origin: germline.
Comment: The p.I1851T variant (also known as c.5552T>C), located in coding exon 44 of the FBN2 gene, results from a T to C substitution at nucleotide position 5552. The isoleucine at codon 1851 is replaced by threonine, an amino acid with similar properties. This amino acid position is highly conserved in available vertebrate species. In addition, this alteration is predicted to be deleterious by in silico analysis. Since supporting evidence is limited at this time, the clinical significance of this alteration remains unclear.